The following is an entry in ClinVar:

NM_138694.4(PKHD1):c.5236+1del

Genes: PKHD1 (PKHD1 ciliary IPT domain containing fibrocystin/polyductin; minus strand), LOC126859690 (MED14-independent group 3 enhancer GRCh37_chr6:51888848-51890047; plus strand). Cytogenetic location: 6p12.2.
Variant type: Deletion.
Coding change: c.5236+1del on transcript NM_138694.4 (MANE Select); the canonical splice donor site of the intron after coding-DNA position 5236, one base deleted (G; older notation c.5236+1delG).
Molecular consequence: splice donor variant.
Genome position (GRCh38, 1-based): chr6:52,024,573, C deleted on the plus strand (G on the coding strand, the reverse complement: PKHD1 is on the minus strand); the first of 2 consecutive C bases (chr6:52,024,573-52,024,574); deleting either gives the same sequence. VCF-style (leftmost placement, unchanged base first): chr6-52024572-AC-A. GRCh37 (hg19) VCF-style: chr6-51889370-AC-A.
Other names: c.5236+1del (NM_170724.3).
Identifiers: ClinVar variation 4816688 (VCV004816688.1).

ClinVar aggregate classification (germline): Likely pathogenic (1 of 4 stars; one submission).

Conditions:
Autosomal recessive polycystic kidney disease (ARPKD). Also called: AR polycystic kidney disease. Identifiers: Orphanet 731, Orphanet 8378, MedGen C0085548, MeSH D017044, MONDO:0009889.

Submission:

Natera, Inc.
Classification: Likely pathogenic for Autosomal recessive polycystic kidney disease. Last evaluated: 2025-03-04. Review status: criteria provided, single submitter. Criteria: Natera Variant Classification Schema (03/2026). Collection method: clinical testing. Allele origin: germline.
Comment: The c.5236+1del variant in PKHD1 is a canonical splice donor site variant predicted to affect pre-mRNA splicing, which may result in an abnormal transcript and altered protein product. This variant is expected to result in nonsense mediated decay, truncation, or a dysfunctional protein product. This variant is rare in the general population with a frequency below the threshold expected for the associated phenotype(s). Given the available evidence, this variant is classified as Likely Pathogenic.